The following is an entry in ClinVar:

ClinVar aggregate classification (germline): Uncertain significance (1 of 4 stars; one submission).

Conditions:
Hereditary factor IX deficiency disease (HEMB). Also called: Christmas Disease; F9 DEFICIENCY; FACTOR IX DEFICIENCY; PLASMA THROMBOPLASTIN COMPONENT DEFICIENCY; Hemophilia B. Identifiers: Orphanet 98879, MedGen C0008533, MeSH D002836, MONDO:0010604, OMIM 306900.
Thrombophilia, X-linked, due to factor 9 defect. Identifiers: MedGen C2749016, MONDO:0010432, OMIM 300807.

Submission:

Labcorp Genetics (formerly Invitae), Labcorp
Classification: Uncertain significance for Thrombophilia, X-linked, due to factor 9 defect; Hereditary factor IX deficiency disease. Last evaluated: 2021-01-08. Review status: criteria provided, single submitter. Criteria: Invitae Variant Classification Sherloc (09022015). Collection method: clinical testing. Allele origin: germline.
Comment: In summary, the available evidence is currently insufficient to determine the role of this variant in disease. Therefore, it has been classified as a Variant of Uncertain Significance. Algorithms developed to predict the effect of missense changes on protein structure and function (SIFT, PolyPhen-2, Align-GVGD) all suggest that this variant is likely to be tolerated, but these predictions have not been confirmed by published functional studies and their clinical significance is uncertain. This variant has not been reported in the literature in individuals with F9-related conditions. This variant is not present in population databases (ExAC no frequency). This sequence change replaces phenylalanine with leucine at codon 144 of the F9 protein (p.Phe144Leu). The phenylalanine residue is highly conserved and there is a small physicochemical difference between phenylalanine and leucine.

NM_000133.4(F9):c.430T>C (p.Phe144Leu)

Gene: F9 (coagulation factor IX; plus strand). Cytogenetic location: Xq27.1.
Variant type: single nucleotide variant.
Coding change: c.430T>C on transcript NM_000133.4 (MANE Select); coding-DNA position 430, T replaced by C.
Protein change: p.Phe144Leu; replaces phenylalanine 144 with leucine.
Molecular consequence: missense variant.
Genome position (GRCh38, 1-based): chrX:139,548,401, T>C. VCF-style: chrX-139548401-T-C. GRCh37 (hg19) VCF-style: chrX-138630560-T-C.
Other names: c.316T>C, p.Phe106Leu (NM_001313913.2); short protein forms F144L, F106L.
Identifiers: ClinVar variation 1363308 (VCV001363308.8), dbSNP rs2148361174, ClinGen allele CA414438935.